The following is an entry in ClinVar:

NM_022725.4(FANCF):c.65A>G (p.Tyr22Cys)

Gene: FANCF (FA complementation group F; minus strand). Cytogenetic location: 11p14.3.
Variant type: single nucleotide variant.
Coding change: c.65A>G on transcript NM_022725.4 (MANE Select); coding-DNA position 65, A replaced by G.
Protein change: p.Tyr22Cys; replaces tyrosine 22 with cysteine.
Molecular consequence: missense variant.
Genome position (GRCh38, 1-based): chr11:22,625,746, T>C on the plus strand (A>G on the coding strand, the complement: FANCF is on the minus strand). VCF-style: chr11-22625746-T-C. GRCh37 (hg19) VCF-style: chr11-22647292-T-C.
Other names: short protein forms Y22C.
Identifiers: ClinVar variation 661033 (VCV000661033.8), dbSNP rs1590542501, ClinGen allele CA380059818.

ClinVar aggregate classification (germline): Uncertain significance (1 of 4 stars; one submission).

Conditions:
Fanconi anemia (FA). Also called: Fanconi's anemia. Identifiers: Orphanet 84, MedGen C0015625, MeSH D005199, MONDO:0019391.

Allele frequency attached by ClinVar (database versions not stated): TOPMed below 0.00001.
gnomAD v4.1: 1 of 1,614,060 alleles (0.000062%); highest among the groups gnomAD compares: Non-Finnish European, 0.000085%; no homozygotes.

Submission:

Labcorp Genetics (formerly Invitae), Labcorp
Classification: Uncertain significance for Fanconi anemia. Last evaluated: 2018-08-08. Review status: criteria provided, single submitter. Criteria: Invitae Variant Classification Sherloc (09022015). Collection method: clinical testing. Allele origin: germline.
Comment: This sequence change replaces tyrosine with cysteine at codon 22 of the FANCF protein (p.Tyr22Cys). The tyrosine residue is weakly conserved and there is a large physicochemical difference between tyrosine and cysteine. This variant is not present in population databases (ExAC no frequency). This variant has not been reported in the literature in individuals with FANCF-related disease. Algorithms developed to predict the effect of missense changes on protein structure and function are either unavailable or do not agree on the potential impact of this missense change (SIFT: "Tolerated"; PolyPhen-2: "Possibly Damaging"; Align-GVGD: "Class C0"). In summary, the available evidence is currently insufficient to determine the role of this variant in disease. Therefore, it has been classified as a Variant of Uncertain Significance.